The following is an entry in ClinVar:

NM_133433.4(NIPBL):c.6923_6927del (p.Thr2308fs)

Gene: NIPBL (NIPBL cohesin loading factor; plus strand). Cytogenetic location: 5p13.2.
Variant type: Deletion.
Coding change: c.6923_6927del on transcript NM_133433.4 (MANE Select); coding-DNA positions 6923 to 6927, 5 bases deleted (CTCTA; older notation c.6923_6927delCTCTA).
Protein change: p.Thr2308fs; shifts the reading frame from threonine 2308.
Molecular consequence: frameshift variant.
Genome position (GRCh38, 1-based): chr5:37,049,270-37,049,274, CTCTA deleted; deleting any 5 consecutive bases within chr5:37,049,269-37,049,274 gives the same sequence; the c. name uses the placement nearest the transcript's 3' end. VCF-style (leftmost placement, unchanged base first): chr5-37049268-GACTCT-G. GRCh37 (hg19) VCF-style: chr5-37049370-GACTCT-G.
Other names: c.6923_6927del, p.Thr2308fs (NM_015384.5); short protein forms T2308fs.
Identifiers: ClinVar variation 2633633 (VCV002633633.2), dbSNP rs2478625150, ClinGen allele CA2695198599.

ClinVar aggregate classification (germline): Pathogenic (1 of 4 stars; one submission).

Conditions:
NIPBL-related disorder. Also called: NIPBL-related condition.

Submission:

PreventionGenetics, part of Exact Sciences
Classification: Pathogenic for NIPBL-related condition. Last evaluated: 2026-02-06. Review status: criteria provided, single submitter. Criteria: ACMG Guidelines, 2015. Collection method: clinical testing. Allele origin: germline.
Comment: The NIPBL c.6923_6927del5 variant is predicted to result in a frameshift and premature protein termination (p.Thr2308Lysfs*30). To our knowledge, this variant has not been reported in the literature or in a large population database (gnomAD), indicating this variant is rare. Frameshift variants in NIPBL are expected to be pathogenic. This variant is interpreted as pathogenic.